The following is an entry in ClinVar:

ClinVar aggregate classification (germline): Uncertain significance (1 of 4 stars; one submission).

Allele frequency attached by ClinVar (database versions not stated): gnomAD exomes 0.00002; TOPMed 0.00002; ExAC 0.00003; gnomAD 0.00003.
gnomAD v4.1: 31 of 1,613,734 alleles (0.0019%); highest among the groups gnomAD compares: Non-Finnish European, 0.0024%; no homozygotes.

Submission:

Labcorp Genetics (formerly Invitae), Labcorp
Classification: Uncertain significance. Last evaluated: 2024-07-02. Review status: criteria provided, single submitter. Criteria: Invitae Variant Classification Sherloc (09022015). Collection method: clinical testing. Allele origin: germline.
Comment: This sequence change replaces serine, which is neutral and polar, with cysteine, which is neutral and slightly polar, at codon 799 of the AP3B2 protein (p.Ser799Cys). This variant is present in population databases (rs747781935, gnomAD 0.008%). This variant has not been reported in the literature in individuals affected with AP3B2-related conditions. ClinVar contains an entry for this variant (Variation ID: 1347713). An algorithm developed to predict the effect of missense changes on protein structure and function (PolyPhen-2) suggests that this variant is likely to be tolerated. In summary, the available evidence is currently insufficient to determine the role of this variant in disease. Therefore, it has been classified as a Variant of Uncertain Significance.

NM_001278512.2(AP3B2):c.2452A>T (p.Ser818Cys)

Genes: AP3B2 (adaptor related protein complex 3 subunit beta 2; minus strand), CPEB1-AS1 (CPEB1 antisense RNA 1; plus strand). Cytogenetic location: 15q25.2.
Variant type: single nucleotide variant.
Coding change: c.2452A>T on transcript NM_001278512.2 (MANE Select); coding-DNA position 2452, A replaced by T.
Protein change: p.Ser818Cys; replaces serine 818 with cysteine.
Molecular consequence: missense variant.
Genome position (GRCh38, 1-based): chr15:82,663,605, T>A on the plus strand (A>T on the coding strand, the complement: AP3B2 is on the minus strand). VCF-style: chr15-82663605-T-A. GRCh37 (hg19) VCF-style: chr15-83332357-T-A.
Other names: c.2299A>T, p.Ser767Cys (NM_001278511.2); c.2395A>T, p.Ser799Cys (NM_004644.5); short protein forms S767C, S799C, S818C.
Identifiers: ClinVar variation 1347713 (VCV001347713.8), dbSNP rs747781935, ClinGen allele CA7699909.